The following is an entry in ClinVar:

ClinVar aggregate classification (germline): Conflicting classifications of pathogenicity. Review status: criteria provided, conflicting classifications (1 of 4 stars). 2 submissions from 2 submitters: Uncertain significance (1); Likely benign (1). Last evaluated 2024-10-17.

Conditions:
Emery-Dreifuss muscular dystrophy (EDMD). Also called: Scapuloperoneal syndrome, X-linked (formerly); Humeroperoneal neuromuscular disease, (formerly). Identifiers: Orphanet 261, MedGen C0410189, MONDO:0016830.

Allele frequency attached by ClinVar (database versions not stated): ExAC 0.00001; gnomAD 0.00001; gnomAD exomes 0.00001; TOPMed 0.00005.
gnomAD v4.1: 21 of 1,601,564 alleles (0.0013%); highest among the groups gnomAD compares: Admixed American, 0.0034%; no homozygotes.

Submissions (2):

Labcorp Genetics (formerly Invitae), Labcorp
Classification: Uncertain significance for Emery-Dreifuss muscular dystrophy. Last evaluated: 2024-10-17. Review status: criteria provided, single submitter. Criteria: Invitae Variant Classification Sherloc (09022015). Collection method: clinical testing. Allele origin: germline.
Comment: This sequence change replaces arginine, which is basic and polar, with glutamine, which is neutral and polar, at codon 493 of the SUN1 protein (p.Arg493Gln). This variant is present in population databases (rs763647876, gnomAD 0.006%). This variant has not been reported in the literature in individuals affected with SUN1-related conditions. An algorithm developed to predict the effect of missense changes on protein structure and function outputs the following: PolyPhen-2: "Benign". The glutamine amino acid residue is found in multiple mammalian species, which suggests that this missense change does not adversely affect protein function. In summary, the available evidence is currently insufficient to determine the role of this variant in disease. Therefore, it has been classified as a Variant of Uncertain Significance.

Ambry Genetics
Classification: Likely benign. Last evaluated: 2024-05-01. Review status: criteria provided, single submitter. Criteria: Ambry Variant Classification Scheme 2023. Collection method: clinical testing. Allele origin: germline.

NM_001130965.3(SUN1):c.1478G>A (p.Arg493Gln)

Gene: SUN1 (Sad1 and UNC84 domain containing 1; plus strand). Cytogenetic location: 7p22.3.
Variant type: single nucleotide variant.
Coding change: c.1478G>A on transcript NM_001130965.3 (MANE Select); coding-DNA position 1478, G replaced by A.
Protein change: p.Arg493Gln; replaces arginine 493 with glutamine.
Molecular consequence: missense variant. On other transcripts: non-coding transcript variant (3).
Genome position (GRCh38, 1-based): chr7:857,911, G>A. VCF-style: chr7-857911-G-A. GRCh37 (hg19) VCF-style: chr7-897548-G-A.
Other names: c.1478G>A (NM_001130965.2); c.1169G>A, p.Arg390Gln (NM_001171944.2); c.1478G>A, p.Arg493Gln (NM_001367633.1, NM_001367634.1, NM_001367653.1); c.1127G>A, p.Arg376Gln (NM_001367635.1); c.1718G>A, p.Arg573Gln (NM_001367636.1, NM_001367691.1); c.1586G>A, p.Arg529Gln (NM_001367638.1); c.1019G>A, p.Arg340Gln (NM_001367639.1); c.1658G>A, p.Arg553Gln (NM_001367640.1); and 44 more; short protein forms R340Q, R390Q, R443Q, R467Q, R480Q, R488Q, R520Q, R529Q.
Identifiers: ClinVar variation 2859106 (VCV002859106.4), dbSNP rs763647876, ClinGen allele CA4112248.